The following is an entry in ClinVar:

ClinVar aggregate classification (germline): Uncertain significance (1 of 4 stars; one submission).

Conditions:
Inborn genetic diseases. Identifiers: MedGen C0950123, MeSH D030342.

Submission:

Ambry Genetics
Classification: Uncertain significance for Inborn genetic diseases. Last evaluated: 2026-06-28. Review status: criteria provided, single submitter. Criteria: Ambry Variant Classification Scheme 2023. Collection method: clinical testing. Allele origin: germline.
Comment: The p.A1793S variant (also known as c.5377G>T), located in coding exon 21 of the FANCM gene, results from a G to T substitution at nucleotide position 5377. The alanine at codon 1793 is replaced by serine, an amino acid with similar properties. This amino acid position is conserved. In addition, this alteration is predicted to be tolerated by in silico analysis. Based on the available evidence, the clinical significance of this variant remains unclear.

NM_020937.4(FANCM):c.5377G>T (p.Ala1793Ser)

Gene: FANCM (FA complementation group M; plus strand). Cytogenetic location: 14q21.2.
Variant type: single nucleotide variant.
Coding change: c.5377G>T on transcript NM_020937.4 (MANE Select); coding-DNA position 5377, G replaced by T.
Protein change: p.Ala1793Ser; replaces alanine 1793 with serine.
Molecular consequence: missense variant.
Genome position (GRCh38, 1-based): chr14:45,196,208, G>T. VCF-style: chr14-45196208-G-T. GRCh37 (hg19) VCF-style: chr14-45665411-G-T.
Other names: c.5299G>T, p.Ala1767Ser (NM_001308133.2); short protein forms A1767S, A1793S.
Identifiers: ClinVar variation 5036586 (VCV005036586.1).